The following is an entry in ClinVar:

ClinVar aggregate classification (germline): Uncertain significance (1 of 4 stars; one submission).

Conditions:
Hereditary cancer-predisposing syndrome. Also called: Tumor predisposition; Neoplastic Syndromes, Hereditary; Hereditary Cancer Syndrome; Hereditary neoplastic syndrome. Identifiers: Orphanet 140162, MedGen C0027672, MeSH D009386, MONDO:0015356.

Submission:

Ambry Genetics
Classification: Uncertain significance for Hereditary cancer-predisposing syndrome. Last evaluated: 2025-01-31. Review status: criteria provided, single submitter. Criteria: Ambry Variant Classification Scheme 2023. Collection method: clinical testing. Allele origin: germline.
Comment: The p.P246A variant (also known as c.736C>G), located in coding exon 8 of the NF2 gene, results from a C to G substitution at nucleotide position 736. The proline at codon 246 is replaced by alanine, an amino acid with highly similar properties. This amino acid position is conserved. In addition, the in silico prediction for this alteration is inconclusive. Based on the available evidence, the clinical significance of this variant remains unclear.

NM_000268.4(NF2):c.736C>G (p.Pro246Ala)

Gene: NF2 (NF2, moesin-ezrin-radixin like (MERLIN) tumor suppressor; plus strand). Cytogenetic location: 22q12.2.
Variant type: single nucleotide variant.
Coding change: c.736C>G on transcript NM_000268.4 (MANE Select); coding-DNA position 736, C replaced by G.
Protein change: p.Pro246Ala; replaces proline 246 with alanine.
Molecular consequence: missense variant. On other transcripts: non-coding transcript variant (1), intron variant (4).
Genome position (GRCh38, 1-based): chr22:29,661,265, C>G. VCF-style: chr22-29661265-C-G. GRCh37 (hg19) VCF-style: chr22-30057254-C-G.
Other names: c.613C>G, p.Pro205Ala (NM_001407054.1, NM_001407058.1, NM_181829.3); c.622C>G, p.Pro208Ala (NM_001407053.1, NM_001407056.1); c.610C>G, p.Pro204Ala (NM_001407055.1, NM_181828.3); c.736C>G, p.Pro246Ala (NM_001407060.1, NM_001407066.1, NM_016418.5 and 2 more transcripts); c.505C>G, p.Pro169Ala (NM_001407067.1); c.487C>G, p.Pro163Ala (NM_181830.3, NM_181831.3, NM_001407063.1 and 1 more transcripts); c.202C>G, p.Pro68Ala (NM_001407065.1); c.675+3001C>G (NM_001407059.1, NM_001407057.1); and 2 more; short protein forms P205A, P68A, P208A, P246A, P163A, P169A, P204A.
Identifiers: ClinVar variation 3879178 (VCV003879178.1).